The following is an entry in ClinVar:

ClinVar aggregate classification (germline): Uncertain significance. Review status: criteria provided, multiple submitters, no conflicts (2 of 4 stars). 3 submissions from 3 submitters: Uncertain significance (3). Last evaluated 2025-01-20.

Conditions:
Emery-Dreifuss muscular dystrophy 4, autosomal dominant (EDMD4). Also called: EMERY-DREIFUSS MUSCULAR DYSTROPHY 4 WITH VARIABLE FEATURES. Identifiers: Orphanet 261, MedGen C2751807, MONDO:0013071, OMIM 612998.
Autosomal recessive ataxia, Beauce type. Also called: Spinocerebellar ataxia, autosomal recessive 8; SYNE1-Related Autosomal Recessive Cerebellar Ataxia; ATAXIA, RECESSIVE, OF BEAUCE; SYNE1 Deficiency. Identifiers: Orphanet 88644, MedGen C1853116, MONDO:0012549, OMIM 610743.

Allele frequency attached by ClinVar (database versions not stated): gnomAD exomes 0.00009 and 0.00017; ExAC 0.00020; gnomAD 0.00001 and 0.00003; TOPMed 0.00003.
gnomAD v4.1: 143 of 1,614,034 alleles (0.0089%); highest among the groups gnomAD compares: South Asian, 0.11%; no homozygotes.

Submissions (3):

Labcorp Genetics (formerly Invitae), Labcorp
Classification: Uncertain significance for Emery-Dreifuss muscular dystrophy 4, autosomal dominant; Autosomal recessive ataxia, Beauce type. Last evaluated: 2025-01-20. Review status: criteria provided, single submitter. Criteria: Invitae Variant Classification Sherloc (09022015). Collection method: clinical testing. Allele origin: germline.
Comment: This sequence change replaces arginine, which is basic and polar, with lysine, which is basic and polar, at codon 1069 of the SYNE1 protein (p.Arg1069Lys). This variant is present in population databases (rs771821092, gnomAD 0.1%). This variant has not been reported in the literature in individuals affected with SYNE1-related conditions. ClinVar contains an entry for this variant (Variation ID: 945366). An algorithm developed to predict the effect of missense changes on protein structure and function outputs the following: PolyPhen-2: "Benign". The lysine amino acid residue is found in multiple mammalian species, which suggests that this missense change does not adversely affect protein function. In summary, the available evidence is currently insufficient to determine the role of this variant in disease. Therefore, it has been classified as a Variant of Uncertain Significance.

Blueprint Genetics
Classification: Uncertain significance. Last evaluated: 2024-11-18. Review status: criteria provided, single submitter. Criteria: ACMG Guidelines, 2015. Collection method: clinical testing. Allele origin: germline.

CeGaT Center for Human Genetics Tuebingen
Classification: Uncertain significance. Last evaluated: 2023-08-01. Review status: criteria provided, single submitter. Criteria: CeGaT Center For Human Genetics Tuebingen Variant Classification Criteria Version 2. Collection method: clinical testing. Allele origin: germline. Affected: yes. Observed: 2 variant alleles.
Comment: SYNE1: PM2, BP4

NM_182961.4(SYNE1):c.3185G>A (p.Arg1062Lys)

Gene: SYNE1 (spectrin repeat containing nuclear envelope protein 1; minus strand). Cytogenetic location: 6q25.2.
Variant type: single nucleotide variant.
Coding change: c.3185G>A on transcript NM_182961.4 (MANE Select); coding-DNA position 3185, G replaced by A.
Protein change: p.Arg1062Lys; replaces arginine 1062 with lysine.
Molecular consequence: missense variant.
Genome position (GRCh38, 1-based): chr6:152,451,048, C>T on the plus strand (G>A on the coding strand, the complement: SYNE1 is on the minus strand). VCF-style: chr6-152451048-C-T. GRCh37 (hg19) VCF-style: chr6-152772183-C-T.
Other names: c.3206G>A, p.Arg1069Lys (NM_033071.5); short protein forms R1062K, R1069K.
Identifiers: ClinVar variation 945366 (VCV000945366.30), dbSNP rs771821092, ClinGen allele CA4058907.
Genomic context (GRCh38, chr6:152,451,048, plus strand): 5'-TCCTTTATGGAACAATGTGACTTGACACGGCTATCCACATTGTGGTGTGGGAGACGTACC[C>T]TGTGCTCTTTAATTATCTTTTCACTGCCTTCCTGGGGCATCAGCTTGGTCTCTCGATCCA-3'
Protein context (NP_892006.3, residues 1052-1072): EGSEKIIKEH[Arg1062Lys]VFFSDKGPHH